The following is an entry in ClinVar:

ClinVar aggregate classification (germline): Uncertain significance. Review status: criteria provided, multiple submitters, no conflicts (2 of 4 stars). 2 submissions from 2 submitters: Uncertain significance (2). Last evaluated 2025-06-24.

Conditions:
Intellectual developmental disorder, autosomal dominant 1. Also called: Intellectual disability, autosomal dominant 1; MBD5 Haploinsufficiency. Identifiers: Orphanet 228402, MedGen C1969562, MONDO:0007974, OMIM 156200.

Allele frequency attached by ClinVar (database versions not stated): gnomAD exomes 0.00005 and 0.00003; ExAC 0.00008; 1000 Genomes Project 0.00020; gnomAD 0.00001; 1000 Genomes Project 30x 0.00016.

Submissions (2):

Labcorp Genetics (formerly Invitae), Labcorp
Classification: Uncertain significance for Intellectual developmental disorder, autosomal dominant 1. Last evaluated: 2025-06-24. Review status: criteria provided, single submitter. Criteria: Invitae Variant Classification Sherloc (09022015). Collection method: clinical testing. Allele origin: germline.
Comment: This sequence change replaces methionine, which is neutral and non-polar, with valine, which is neutral and non-polar, at codon 1274 of the MBD5 protein (p.Met1274Val). This variant is present in population databases (rs572436251, gnomAD 0.04%). This variant has not been reported in the literature in individuals affected with MBD5-related conditions. ClinVar contains an entry for this variant (Variation ID: 653248). Experimental studies and prediction algorithms are not available or were not evaluated, and the functional significance of this variant is currently unknown. In summary, the available evidence is currently insufficient to determine the role of this variant in disease. Therefore, it has been classified as a Variant of Uncertain Significance.

Revvity Omics, Revvity
Classification: Uncertain significance. Last evaluated: 2019-09-07. Review status: criteria provided, single submitter. Criteria: ACMG Guidelines, 2015. Collection method: clinical testing. Allele origin: germline.

NM_001378120.1(MBD5):c.4519A>G (p.Met1507Val)

Gene: MBD5 (methyl-CpG binding domain protein 5; plus strand). Cytogenetic location: 2q23.1.
Variant type: single nucleotide variant.
Coding change: c.4519A>G on transcript NM_001378120.1 (MANE Select); coding-DNA position 4519, A replaced by G.
Protein change: p.Met1507Val; replaces methionine 1507 with valine.
Molecular consequence: missense variant.
Genome position (GRCh38, 1-based): chr2:148,490,151, A>G. VCF-style: chr2-148490151-A-G. GRCh37 (hg19) VCF-style: chr2-149247720-A-G.
Other names: c.3820A>G, p.Met1274Val (NM_018328.5); short protein forms M1274V, M1507V.
Identifiers: ClinVar variation 653248 (VCV000653248.11), dbSNP rs572436251, ClinGen allele CA1900434.